The following is an entry in ClinVar:

NM_030632.3(ASXL3):c.1961dup (p.Ser654_Ser655insTer)

Gene: ASXL3 (ASXL transcriptional regulator 3; plus strand). Cytogenetic location: 18q12.1.
Variant type: Duplication.
Coding change: c.1961dup on transcript NM_030632.3 (MANE Select); coding-DNA position 1961, one base duplicated (C; older notation c.1961dupC).
Protein change: p.Ser654_Ser655insTer.
Molecular consequence: frameshift variant.
Genome position (GRCh38, 1-based): chr18:33,739,365, C duplicated. VCF-style (leftmost placement, unchanged base first): chr18-33739364-T-TC. GRCh37 (hg19) VCF-style: chr18-31319328-T-TC.
Identifiers: ClinVar variation 375461 (VCV000375461.3), dbSNP rs1057519498, ClinGen allele CA16044280.

ClinVar aggregate classification (germline): Pathogenic (1 of 4 stars; one submission).

Conditions:
Bainbridge-Ropers syndrome. Also called: Severe feeding difficulties-failure to thrive-microcephaly due to ASXL3 deficiency syndrome. Identifiers: Orphanet 352577, MedGen C4750837, MONDO:0014205, OMIM 615485.

Submission:

Center of Genomic medicine, Geneva, University Hospital of Geneva
Classification: Pathogenic for Bainbridge-Ropers syndrome. Last evaluated: 2016-04-29. Review status: criteria provided, single submitter. Criteria: ACMG Guidelines, 2015. Collection method: clinical testing. Allele origin: de novo. Affected: yes.